The following is an entry in ClinVar:

NM_002658.6(PLAU):c.602G>T (p.Arg201Leu)

Genes: PLAU (plasminogen activator, urokinase; plus strand), C10orf55 (chromosome 10 putative open reading frame 55; minus strand), LOC126860960 (BRD4-independent group 4 enhancer GRCh37_chr10:75672789-75673988; plus strand). Cytogenetic location: 10q22.2.
Variant type: single nucleotide variant.
Coding change: c.602G>T on transcript NM_002658.6 (MANE Select); coding-DNA position 602, G replaced by T.
Protein change: p.Arg201Leu; replaces arginine 201 with leucine.
Molecular consequence: missense variant.
Genome position (GRCh38, 1-based): chr10:73,913,680, G>T. VCF-style: chr10-73913680-G-T. GRCh37 (hg19) VCF-style: chr10-75673438-G-T.
Other names: c.551G>T, p.Arg184Leu (NM_001145031.3); c.344G>T, p.Arg115Leu (NM_001319191.2); c.602G>T (NM_002658.4); short protein forms R184L, R201L, R115L.
Identifiers: ClinVar variation 300751 (VCV000300751.6), dbSNP rs549461157, ClinGen allele CA5562474.

ClinVar aggregate classification (germline): Benign/Likely benign. Review status: criteria provided, multiple submitters, no conflicts (2 of 4 stars). 2 submissions from 2 submitters: Benign (1); Likely benign (1). Last evaluated 2026-01-26.

Conditions:
Quebec platelet disorder (QPD). Also called: BLEEDING DISORDER, PLATELET-TYPE, 5; FACTOR V QUEBEC. Identifiers: Orphanet 220436, MedGen C1866423, MONDO:0011136, OMIM 601709.
PLAU-related disorder. Also called: PLAU-related condition.

Allele frequency attached by ClinVar (database versions not stated): gnomAD 0.00001 and 0.00007; 1000 Genomes Project 30x 0.00031; ExAC 0.00032; 1000 Genomes Project 0.00040.
gnomAD v4.1: 173 of 1,612,576 alleles (0.011%); highest among the groups gnomAD compares: South Asian, 0.17%; 1 homozygote.

Submissions (2):

PreventionGenetics, part of Exact Sciences
Classification: Likely benign for PLAU-related condition. Last evaluated: 2026-01-26. Review status: criteria provided, single submitter. Criteria: ACMG Guidelines, 2015. Collection method: clinical testing. Allele origin: germline.
Comment: This variant is classified as likely benign based on ACMG/AMP sequence variant interpretation guidelines (Richards et al. 2015 PMID: 25741868, with internal and published modifications).

Illumina Laboratory Services, Illumina
Classification: Benign for Quebec platelet disorder. Last evaluated: 2018-01-13. Review status: criteria provided, single submitter. Criteria: ICSL Variant Classification Criteria 13 December 2019. Collection method: clinical testing. Allele origin: germline.
Comment: This variant was observed in the ICSL laboratory as part of a predisposition screen in an ostensibly healthy population. It had not been previously curated by ICSL or reported in the Human Gene Mutation Database (HGMD: prior to June 1st, 2018), and was therefore a candidate for classification through an automated scoring system. Utilizing variant allele frequency, disease prevalence and penetrance estimates, and inheritance mode, an automated score was calculated to assess if this variant is too frequent to cause the disease. Based on the score and internal cut-off values, a variant classified as benign is not then subjected to further curation. The score for this variant resulted in a classification of benign for this disease.